The following is an entry in ClinVar:

NM_032999.4(GTF2I):c.1121-3T>C

Gene: GTF2I (general transcription factor IIi; plus strand). Cytogenetic location: 7q11.23.
Variant type: single nucleotide variant.
Coding change: c.1121-3T>C on transcript NM_032999.4 (MANE Select); 3 bases into the intron before coding-DNA position 1121, T replaced by C.
Molecular consequence: intron variant.
Genome position (GRCh38, 1-based): chr7:74,732,476, T>C. VCF-style: chr7-74732476-T-C. GRCh37 (hg19) VCF-style: chr7-74146817-T-C.
Other names: c.1058-3T>C (NM_033001.4); c.1055-3T>C (NM_001163636.3); c.1061-3T>C (NM_033000.4); c.998-3T>C (NM_001518.5).
Identifiers: ClinVar variation 4873081 (VCV004873081.2).

ClinVar aggregate classification (germline): Likely benign (1 of 4 stars; one submission).

gnomAD v4.1: 1,112 of 1,533,682 alleles (0.073%); highest among the groups gnomAD compares: African/African-American, 1.4%; 5 homozygotes.

Submission:

CeGaT Center for Human Genetics Tuebingen
Classification: Likely benign. Last evaluated: 2026-05-01. Review status: criteria provided, single submitter. Criteria: CeGaT Center For Human Genetics Tuebingen Variant Classification Criteria Version 2. Collection method: clinical testing. Allele origin: germline. Affected: yes. Observed: 1 variant allele.
Comment: GTF2I: BP4, BS1